The following is an entry in ClinVar:

NM_001100.4(ACTA1):c.712del (p.Leu238fs)

Gene: ACTA1 (actin alpha 1, skeletal muscle; minus strand). Cytogenetic location: 1q42.13.
Variant type: Deletion.
Coding change: c.712del on transcript NM_001100.4 (MANE Select); coding-DNA position 712, one base deleted (C; older notation c.712delC).
Protein change: p.Leu238fs; shifts the reading frame from leucine 238.
Molecular consequence: frameshift variant.
Genome position (GRCh38, 1-based): chr1:229,432,090, G deleted on the plus strand (C on the coding strand, the reverse complement: ACTA1 is on the minus strand); the first of 3 consecutive G bases (chr1:229,432,090-229,432,092); deleting any one gives the same sequence. VCF-style (leftmost placement, unchanged base first): chr1-229432089-AG-A. GRCh37 (hg19) VCF-style: chr1-229567836-AG-A.
Other names: c.712delC (NM_001100.3); short protein forms L238fs.
Identifiers: ClinVar variation 662552 (VCV000662552.7), dbSNP rs1211561143, ClinGen allele CA529915256.

ClinVar aggregate classification (germline): Pathogenic (1 of 4 stars; one submission).

Conditions:
Actin accumulation myopathy (CMYO2A). Also called: Myopathy, actin, congenital, with cores; Nemaline myopathy 3, with intranuclear rods; Nemaline myopathy type 3; Myopathy, actin, congenital, with excess of thin myofilaments; CONGENITAL MYOPATHY 2A, TYPICAL, AUTOSOMAL DOMINANT. Identifiers: Orphanet 98904, MedGen C3711389, MONDO:0008070, OMIM 161800.

Submission:

Labcorp Genetics (formerly Invitae), Labcorp
Classification: Pathogenic for Actin accumulation myopathy. Last evaluated: 2022-03-09. Review status: criteria provided, single submitter. Criteria: Invitae Variant Classification Sherloc (09022015). Collection method: clinical testing. Allele origin: germline.
Comment: For these reasons, this variant has been classified as Pathogenic. ClinVar contains an entry for this variant (Variation ID: 662552). This variant has not been reported in the literature in individuals affected with ACTA1-related conditions. This variant is present in population databases (no rsID available, gnomAD 0.007%). This sequence change creates a premature translational stop signal (p.Leu238Trpfs*48) in the ACTA1 gene. It is expected to result in an absent or disrupted protein product. Loss-of-function variants in ACTA1 are known to be pathogenic (PMID: 19562689).

Literature cited by the submitters: PubMed 19562689.